The following is an entry in ClinVar:

ClinVar aggregate classification (germline): Uncertain significance. Review status: criteria provided, multiple submitters, no conflicts (2 of 4 stars). 2 submissions from 2 submitters: Uncertain significance (2). Last evaluated 2026-07-07.

Conditions:
Tuberous sclerosis 1 (TSC1). Identifiers: Orphanet 805, MedGen C1854465, MONDO:0008612, OMIM 191100.
Hereditary cancer-predisposing syndrome. Also called: Hereditary Cancer Syndrome; Hereditary neoplastic syndrome; Neoplastic Syndromes, Hereditary; Tumor predisposition. Identifiers: Orphanet 140162, MedGen C0027672, MeSH D009386, MONDO:0015356.

Submissions (2):

Ambry Genetics
Classification: Uncertain significance for Hereditary cancer-predisposing syndrome. Last evaluated: 2026-07-07. Review status: criteria provided, single submitter. Criteria: Ambry Variant Classification Scheme 2023. Collection method: clinical testing. Allele origin: germline.
Comment: The p.D239G variant (also known as c.716A>G), located in coding exon 6 of the TSC1 gene, results from an A to G substitution at nucleotide position 716. The aspartic acid at codon 239 is replaced by glycine, an amino acid with similar properties. This amino acid position is conserved. In addition, this alteration is predicted to be deleterious by in silico analysis. Based on the available evidence, the clinical significance of this variant remains unclear.

Labcorp Genetics (formerly Invitae), Labcorp
Classification: Uncertain significance for Tuberous sclerosis 1. Last evaluated: 2023-10-10. Review status: criteria provided, single submitter. Criteria: Invitae Variant Classification Sherloc (09022015). Collection method: clinical testing. Allele origin: germline.
Comment: This sequence change replaces aspartic acid, which is acidic and polar, with glycine, which is neutral and non-polar, at codon 239 of the TSC1 protein (p.Asp239Gly). This variant is not present in population databases (gnomAD no frequency). This variant has not been reported in the literature in individuals affected with TSC1-related conditions. Advanced modeling of protein sequence and biophysical properties (such as structural, functional, and spatial information, amino acid conservation, physicochemical variation, residue mobility, and thermodynamic stability) performed at Invitae indicates that this missense variant is not expected to disrupt TSC1 protein function. Algorithms developed to predict the effect of sequence changes on RNA splicing suggest that this variant may disrupt the consensus splice site. In summary, the available evidence is currently insufficient to determine the role of this variant in disease. Therefore, it has been classified as a Variant of Uncertain Significance.

NM_000368.5(TSC1):c.716A>G (p.Asp239Gly)

Gene: TSC1 (TSC complex subunit 1; minus strand). Cytogenetic location: 9q34.13.
Variant type: single nucleotide variant.
Coding change: c.716A>G on transcript NM_000368.5 (MANE Select); coding-DNA position 716, A replaced by G.
Protein change: p.Asp239Gly; replaces aspartic acid 239 with glycine.
Molecular consequence: missense variant. On other transcripts: 5 prime UTR variant (1), non-coding transcript variant (5), intron variant (4).
Genome position (GRCh38, 1-based): chr9:132,921,384, T>C on the plus strand (A>G on the coding strand, the complement: TSC1 is on the minus strand). VCF-style: chr9-132921384-T-C. GRCh37 (hg19) VCF-style: chr9-135796771-T-C.
Other names: c.716A>G, p.Asp239Gly (NM_001162426.2, NM_001406592.1, NM_001406593.1 and 16 more transcripts); c.563A>G, p.Asp188Gly (NM_001162427.2, NM_001406610.1, NM_001406611.1 and 2 more transcripts); c.353A>G, p.Asp118Gly (NM_001362177.2, NM_001406623.1, NM_001406624.1 and 10 more transcripts); c.-378A>G (NM_001406630.1); c.-215+435A>G (NM_001406627.1, NM_001406628.1, NM_001406626.1); c.-357+435A>G (NM_001406629.1); short protein forms D188G, D239G, D118G.
Identifiers: ClinVar variation 2723105 (VCV002723105.4), dbSNP rs2132134557, ClinGen allele CA375371289.